The following is an entry in ClinVar:

NM_005076.5(CNTN2):c.3117G>C (p.Glu1039Asp)

Gene: CNTN2 (contactin 2; plus strand). Cytogenetic location: 1q32.1.
Variant type: single nucleotide variant.
Coding change: c.3117G>C on transcript NM_005076.5 (MANE Select); coding-DNA position 3117, G replaced by C.
Protein change: p.Glu1039Asp; replaces glutamic acid 1039 with aspartic acid.
Molecular consequence: missense variant. On other transcripts: non-coding transcript variant (1).
Genome position (GRCh38, 1-based): chr1:205,073,759, G>C. VCF-style: chr1-205073759-G-C. GRCh37 (hg19) VCF-style: chr1-205042887-G-C.
Other names: c.3117G>C, p.Glu1039Asp (NM_001346083.2); short protein forms E1039D.
Identifiers: ClinVar variation 1051767 (VCV001051767.9), dbSNP rs1232718150, ClinGen allele CA344384423.

ClinVar aggregate classification (germline): Uncertain significance (1 of 4 stars; one submission).

Conditions:
Epilepsy, familial adult myoclonic, 5 (EPEO5). Also called: CORTICAL MYOCLONIC TREMOR WITH EPILEPSY, FAMILIAL, 5. Identifiers: Orphanet 86814, MedGen C3809374, MONDO:0014167, OMIM 615400.

gnomAD v4.1: 2 of 1,613,224 alleles (0.00012%); no homozygotes.

Submission:

Labcorp Genetics (formerly Invitae), Labcorp
Classification: Uncertain significance for Epilepsy, familial adult myoclonic, 5. Last evaluated: 2021-01-16. Review status: criteria provided, single submitter. Criteria: Invitae Variant Classification Sherloc (09022015). Collection method: clinical testing. Allele origin: germline.
Comment: In summary, the available evidence is currently insufficient to determine the role of this variant in disease. Therefore, it has been classified as a Variant of Uncertain Significance. Advanced modeling of protein sequence and biophysical properties (such as structural, functional, and spatial information, amino acid conservation, physicochemical variation, residue mobility, and thermodynamic stability) performed at Invitae indicates that this missense variant is not expected to disrupt CNTN2 protein function. This sequence change replaces glutamic acid with aspartic acid at codon 1039 of the CNTN2 protein (p.Glu1039Asp). The glutamic acid residue is weakly conserved and there is a small physicochemical difference between glutamic acid and aspartic acid. This variant is not present in population databases (ExAC no frequency). This variant has not been reported in the literature in individuals with CNTN2-related conditions.